The following is an entry in ClinVar:

NM_001267550.2(TTN):c.57277C>T (p.Gln19093Ter)

Genes: TTN (titin; minus strand), TTN-AS1 (TTN antisense RNA 1; plus strand). Cytogenetic location: 2q31.2.
Variant type: single nucleotide variant.
Coding change: c.57277C>T on transcript NM_001267550.2 (MANE Select); coding-DNA position 57277, C replaced by T.
Protein change: p.Gln19093Ter; replaces glutamine 19093 with a stop codon.
Molecular consequence: nonsense.
Genome position (GRCh38, 1-based): chr2:178,597,805, G>A on the plus strand (C>T on the coding strand, the complement: TTN is on the minus strand). VCF-style: chr2-178597805-G-A. GRCh37 (hg19) VCF-style: chr2-179462532-G-A.
Other names: c.52354C>T, p.Gln17452Ter (NM_001256850.1); c.30082C>T, p.Gln10028Ter (NM_003319.4); c.49573C>T, p.Gln16525Ter (NM_133378.4); c.30457C>T, p.Gln10153Ter (NM_133432.3); c.30658C>T, p.Gln10220Ter (NM_133437.4); short protein forms Q10153*, Q10220*, Q17452*, Q16525*, Q10028*, Q19093*.
Identifiers: ClinVar variation 2943627 (VCV002943627.3), dbSNP rs2469805793, ClinGen allele CA349522031.

ClinVar aggregate classification (germline): Likely pathogenic (1 of 4 stars; one submission).

Conditions:
Dilated cardiomyopathy 1G (CMD1G). Identifiers: Orphanet 154, MedGen C1858763, MONDO:0011400, OMIM 604145.
Autosomal recessive limb-girdle muscular dystrophy type 2J (LGMDR10). Also called: MUSCULAR DYSTROPHY, LIMB-GIRDLE, AUTOSOMAL RECESSIVE 10; Limb-girdle muscular dystrophy, type 2J. Identifiers: Orphanet 140922, MedGen C1837342, MONDO:0012127, OMIM 608807.

Submission:

Labcorp Genetics (formerly Invitae), Labcorp
Classification: Likely pathogenic for Dilated cardiomyopathy 1G; Autosomal recessive limb-girdle muscular dystrophy type 2J. Last evaluated: 2025-07-21. Review status: criteria provided, single submitter. Criteria: Invitae Variant Classification Sherloc (09022015). Collection method: clinical testing. Allele origin: germline.
Comment: This sequence change creates a premature translational stop signal (p.Gln19093*) in the TTN gene. While this is not anticipated to result in nonsense mediated decay, it is expected to create a truncated TTN protein. This variant is not present in population databases (gnomAD no frequency). This premature translational stop signal has been observed in individual(s) with dilated cardiomyopathy (internal data). ClinVar contains an entry for this variant (Variation ID: 2943627). Algorithms developed to predict the effect of sequence changes on RNA splicing suggest that this variant may disrupt the consensus splice site. This variant is located in the A band of TTN (PMID: 25589632). Truncating variants in this region are significantly overrepresented in patients affected with dilated cardiomyopathy (PMID: 25589632). Truncating variants in this region have also been reported in individuals affected with autosomal recessive centronuclear myopathy (PMID: 23975875). In summary, the currently available evidence indicates that the variant is pathogenic, but additional data are needed to prove that conclusively. Therefore, this variant has been classified as Likely Pathogenic.

Literature cited by the submitters: PubMed 25589632; PubMed 23975875.